The following is an entry in ClinVar:

ClinVar aggregate classification (germline): Uncertain significance (1 of 4 stars; one submission).

Conditions:
Hypohidrotic X-linked ectodermal dysplasia (XHED). Also called: ECTODERMAL DYSPLASIA 1; Ectodermal Dysplasia 1, Anhidrotic; ECTODERMAL DYSPLASIA, HYPOHIDROTIC, 1; CST SYNDROME; ECTODERMAL DYSPLASIA 1, HYPOHIDROTIC, X-LINKED; ECTODERMAL DYSPLASIA 1, HYPOHIDROTIC/HAIR/TOOTH TYPE, X-LINKED. Identifiers: Orphanet 181, Orphanet 238468, MedGen C0162359, MONDO:0010585, OMIM 305100.

Allele frequency attached by ClinVar (database versions not stated): gnomAD 0.00001.
gnomAD v4.1: 1 of 1,208,896 alleles (0.000083%); highest among the groups gnomAD compares: Non-Finnish European, 0.00011%; no homozygotes.

Submission:

Labcorp Genetics (formerly Invitae), Labcorp
Classification: Uncertain significance for Hypohidrotic X-linked ectodermal dysplasia. Last evaluated: 2022-09-13. Review status: criteria provided, single submitter. Criteria: Invitae Variant Classification Sherloc (09022015). Collection method: clinical testing. Allele origin: germline.
Comment: This sequence change replaces glutamic acid, which is acidic and polar, with lysine, which is basic and polar, at codon 36 of the EDA protein (p.Glu36Lys). This variant is present in population databases (no rsID available, gnomAD 0.01%). This variant has not been reported in the literature in individuals affected with EDA-related conditions. Advanced modeling of protein sequence and biophysical properties (such as structural, functional, and spatial information, amino acid conservation, physicochemical variation, residue mobility, and thermodynamic stability) performed at Invitae indicates that this missense variant is not expected to disrupt EDA protein function. In summary, the available evidence is currently insufficient to determine the role of this variant in disease. Therefore, it has been classified as a Variant of Uncertain Significance.

NM_001399.5(EDA):c.106G>A (p.Glu36Lys)

Gene: EDA (ectodysplasin A; plus strand). Cytogenetic location: Xq13.1.
Variant type: single nucleotide variant.
Coding change: c.106G>A on transcript NM_001399.5 (MANE Select); coding-DNA position 106, G replaced by A.
Protein change: p.Glu36Lys; replaces glutamic acid 36 with lysine.
Molecular consequence: missense variant.
Genome position (GRCh38, 1-based): chrX:69,616,414, G>A. VCF-style: chrX-69616414-G-A. GRCh37 (hg19) VCF-style: chrX-68836258-G-A.
Other names: c.106G>A, p.Glu36Lys (NM_001005609.2, NM_001005610.4, NM_001005612.3 and 2 more transcripts); short protein forms E36K.
Identifiers: ClinVar variation 1912685 (VCV001912685.2), dbSNP rs1436803821, ClinGen allele CA413447085.